The following is an entry in ClinVar:

NM_000026.4(ADSL):c.1368+8del

Gene: ADSL (adenylosuccinate lyase; plus strand). Cytogenetic location: 22q13.1.
Variant type: Deletion.
Coding change: c.1368+8del on transcript NM_000026.4 (MANE Select); 8 bases into the intron after coding-DNA position 1368, one base deleted (T; older notation c.1368+8delT).
Molecular consequence: intron variant.
Genome position (GRCh38, 1-based): chr22:40,365,064, T deleted; the last of 2 consecutive T bases (chr22:40,365,063-40,365,064); deleting either gives the same sequence. VCF-style (leftmost placement, unchanged base first): chr22-40365062-CT-C. GRCh37 (hg19) VCF-style: chr22-40761066-CT-C.
Other names: c.1368+8del (NM_000026.2, NM_001363840.3); c.1191+699del (NM_001123378.3); c.1176+8del (NM_001317923.2).
Identifiers: ClinVar variation 418000 (VCV000418000.13), dbSNP rs758319423, ClinGen allele CA10247986.

ClinVar aggregate classification (germline): Likely benign. Review status: criteria provided, multiple submitters, no conflicts (2 of 4 stars). 2 submissions from 2 submitters: Likely benign (2). Last evaluated 2025-09-06.

Conditions:
Adenylosuccinate lyase deficiency (ADSLD). Also called: ADSL DEFICIENCY. Identifiers: Orphanet 46, MedGen C0268126, MONDO:0007068, OMIM 103050.

Submissions (2):

Labcorp Genetics (formerly Invitae), Labcorp
Classification: Likely benign for Adenylosuccinate lyase deficiency. Last evaluated: 2025-09-06. Review status: criteria provided, single submitter. Criteria: Invitae Variant Classification Sherloc (09022015). Collection method: clinical testing. Allele origin: germline.

GeneDx
Classification: Likely benign. Last evaluated: 2016-10-12. Review status: criteria provided, single submitter. Criteria: GeneDx Variant Classification (06012015). Collection method: clinical testing. Allele origin: germline. Affected: yes.
Comment: This variant is considered likely benign or benign based on one or more of the following criteria: it is a conservative change, it occurs at a poorly conserved position in the protein, it is predicted to be benign by multiple in silico algorithms, and/or has population frequency not consistent with disease.